The following is an entry in ClinVar:

ClinVar aggregate classification (germline): Uncertain significance (1 of 4 stars; one submission).

gnomAD v4.1: 1 of 1,210,922 alleles (0.000083%); highest among the groups gnomAD compares: Non-Finnish European, 0.00011%; no homozygotes.

Submission:

GeneDx
Classification: Uncertain significance. Last evaluated: 2023-11-30. Review status: criteria provided, single submitter. Criteria: GeneDx Variant Classification Process June 2021. Collection method: clinical testing. Allele origin: germline. Affected: yes.
Comment: Not observed at significant frequency in large population cohorts (gnomAD); In silico analysis supports that this missense variant does not alter protein structure/function; Has not been previously published as pathogenic or benign to our knowledge

NM_000489.6(ATRX):c.6957G>A (p.Met2319Ile)

Gene: ATRX (ATRX chromatin remodeler; minus strand). Cytogenetic location: Xq21.1.
Variant type: single nucleotide variant.
Coding change: c.6957G>A on transcript NM_000489.6 (MANE Select); coding-DNA position 6957, G replaced by A.
Protein change: p.Met2319Ile; replaces methionine 2319 with isoleucine.
Molecular consequence: missense variant.
Genome position (GRCh38, 1-based): chrX:77,522,281, C>T on the plus strand (G>A on the coding strand, the complement: ATRX is on the minus strand). VCF-style: chrX-77522281-C-T. GRCh37 (hg19) VCF-style: chrX-76777759-C-T.
Other names: c.6843G>A, p.Met2281Ile (NM_138270.5); short protein forms M2281I, M2319I.
Identifiers: ClinVar variation 3365121 (VCV003365121.1).
Genomic context (GRCh38, chrX:77,522,281, plus strand): 5'-CCTTTAATTCATGTCAAACTACTTTTGTACTTCACAACTCACCTCCAGCTGTTGATTACT[C>T]ATTGCTGACAGGGCTCCCAAATTGAAAGGAATATAAGGAGTTTGAGAGTTGAAACTGACA-3'
Protein context (NP_000480.3, residues 2309-2329): IPFNLGALSA[Met2319Ile]SNQQLEDLIN